The following is an entry in ClinVar:

ClinVar aggregate classification (germline): Likely pathogenic (1 of 4 stars; one submission).

Conditions:
Dilated cardiomyopathy 1G (CMD1G). Identifiers: Orphanet 154, MedGen C1858763, MONDO:0011400, OMIM 604145.
Autosomal recessive limb-girdle muscular dystrophy type 2J (LGMDR10). Also called: Limb-girdle muscular dystrophy, type 2J; MUSCULAR DYSTROPHY, LIMB-GIRDLE, AUTOSOMAL RECESSIVE 10. Identifiers: Orphanet 140922, MedGen C1837342, MONDO:0012127, OMIM 608807.

Submission:

Labcorp Genetics (formerly Invitae), Labcorp
Classification: Likely pathogenic for Dilated cardiomyopathy 1G; Autosomal recessive limb-girdle muscular dystrophy type 2J. Last evaluated: 2024-11-26. Review status: criteria provided, single submitter. Criteria: Invitae Variant Classification Sherloc (09022015). Collection method: clinical testing. Allele origin: germline.
Comment: This sequence change creates a premature translational stop signal (p.Leu7233*) in the TTN gene. While this is not anticipated to result in nonsense mediated decay, it is expected to create a truncated TTN protein. This variant is not present in population databases (gnomAD no frequency). This variant has not been reported in the literature in individuals affected with TTN-related conditions. This variant is located in the I band of TTN (PMID: 25589632). Truncating variants in this region have been reported in individuals affected with autosomal recessive centronuclear myopathy (PMID: 23975875, internal data). Truncating variants in this region have also been identified in individuals affected with autosomal dominant dilated cardiomyopathy and/or cardio-related conditions (PMID: 27869827, 32964742, internal data). In summary, the currently available evidence indicates that the variant is pathogenic, but additional data are needed to prove that conclusively. Therefore, this variant has been classified as Likely Pathogenic.

Literature cited by the submitters: PubMed 25589632; PubMed 23975875; PubMed 27869827; PubMed 32964742.

NM_001267550.2(TTN):c.21698del (p.Phe7232_Leu7233insTer)

Gene: TTN (titin; minus strand). Cytogenetic location: 2q31.2.
Variant type: Deletion.
Coding change: c.21698del on transcript NM_001267550.2 (MANE Select); coding-DNA position 21698, one base deleted (T; older notation c.21698delT).
Protein change: p.Phe7232_Leu7233insTer.
Molecular consequence: nonsense. On other transcripts: intron variant (3).
Genome position (GRCh38, 1-based): chr2:178,723,309, A deleted on the plus strand (T on the coding strand, the reverse complement: TTN is on the minus strand); the first of 5 consecutive A bases (chr2:178,723,309-178,723,313); deleting any one gives the same sequence. VCF-style (leftmost placement, unchanged base first): chr2-178723308-CA-C. GRCh37 (hg19) VCF-style: chr2-179588035-CA-C.
Other names: c.20747del, p.Phe6915_Leu6916insTer (NM_001256850.1); c.17966del, p.Phe5988_Leu5989insTer (NM_133378.4); c.13282+14773del (NM_003319.4); c.13858+14773del (NM_133437.4); c.13657+14773del (NM_133432.3).
Identifiers: ClinVar variation 3759893 (VCV003759893.2).